The following is an entry in ClinVar:

NM_024580.6(EFL1):c.233A>G (p.His78Arg)

Gene: EFL1 (elongation factor like GTPase 1; minus strand). Cytogenetic location: 15q25.2.
Variant type: single nucleotide variant.
Coding change: c.233A>G on transcript NM_024580.6 (MANE Select); coding-DNA position 233, A replaced by G.
Protein change: p.His78Arg; replaces histidine 78 with arginine.
Molecular consequence: missense variant. On other transcripts: non-coding transcript variant (1), intron variant (2).
Genome position (GRCh38, 1-based): chr15:82,252,702, T>C on the plus strand (A>G on the coding strand, the complement: EFL1 is on the minus strand). VCF-style: chr15-82252702-T-C. GRCh37 (hg19) VCF-style: chr15-82545043-T-C.
Other names: c.233A>G, p.His78Arg (NM_001322845.2); c.91+8986A>G (NM_001040610.3); c.-546+6386A>G (NM_001322844.2); short protein forms H78R.
Identifiers: ClinVar variation 1499503 (VCV001499503.8), dbSNP rs1165923888, ClinGen allele CA393284068.

ClinVar aggregate classification (germline): Uncertain significance (1 of 4 stars; one submission).

Allele frequency attached by ClinVar (database versions not stated): gnomAD exomes below 0.00001.
gnomAD v4.1: 3 of 1,612,370 alleles (0.00019%); highest among the groups gnomAD compares: Non-Finnish European, 0.00025%; no homozygotes.

Submission:

Labcorp Genetics (formerly Invitae), Labcorp
Classification: Uncertain significance. Last evaluated: 2021-04-21. Review status: criteria provided, single submitter. Criteria: Invitae Variant Classification Sherloc (09022015). Collection method: clinical testing. Allele origin: germline.
Comment: In summary, the available evidence is currently insufficient to determine the role of this variant in disease. Therefore, it has been classified as a Variant of Uncertain Significance. Algorithms developed to predict the effect of missense changes on protein structure and function (SIFT, PolyPhen-2, Align-GVGD) all suggest that this variant is likely to be tolerated, but these predictions have not been confirmed by published functional studies and their clinical significance is uncertain. This variant has not been reported in the literature in individuals with EFL1-related conditions. This variant is not present in population databases (ExAC no frequency). This sequence change replaces histidine with arginine at codon 78 of the EFL1 protein (p.His78Arg). The histidine residue is weakly conserved and there is a small physicochemical difference between histidine and arginine.